The following is an entry in ClinVar:

ClinVar aggregate classification (germline): Likely pathogenic. Review status: criteria provided, multiple submitters, no conflicts (2 of 4 stars). 2 submissions from 2 submitters: Likely pathogenic (2). Last evaluated 2026-04-14.

Conditions:
DDX41-related hematologic malignancy predisposition syndrome. Also called: Myeloproliferative/lymphoproliferative neoplasms, familial (multiple types), susceptibility to; DDX41-Associated Familial Myelodysplastic Syndrome and Acute Myeloid Leukemia. Identifiers: Orphanet 488647, MedGen C4225174, MONDO:0014809, OMIM 616871.
Inborn genetic diseases. Identifiers: MedGen C0950123, MeSH D030342.

Allele frequency attached by ClinVar (database versions not stated): TOPMed below 0.00001.

Submissions (2):

Ambry Genetics
Classification: Likely pathogenic for Inborn genetic diseases. Last evaluated: 2026-04-14. Review status: criteria provided, single submitter. Criteria: Ambry Variant Classification Scheme 2023. Collection method: clinical testing. Allele origin: germline.
Comment: The p.E5* variant (also known as c.13G>T), located in coding exon 1 of the DDX41 gene, results from a G to T substitution at nucleotide position 13. This changes the amino acid from a glutamic acid to a stop codon within coding exon 1. The predicted stop codon occurs in the 5&rsquo; end of thegene. Premature termination codons in the 5&rsquo; end of a gene have been reported to escape nonsense-mediated mRNAdecay and/or lead to re-initiation (Rivas et al. Science. 2015 May 8;348(6235):666-9; Lindeboom et al. Nat Genet. 2016 Oct;48(10):1112-8; Rhee et al. Sci Rep. 2017 May 10;7(1):1653). Direct evidence for this variant is unavailable, however premature termination codons are typically deleterious in nature. This variant is considered to be rare based on population cohorts in the Genome Aggregation Database (gnomAD). Based on the majority of available evidence to date, this variant is likely to be pathogenic.

Baylor Genetics
Classification: Likely pathogenic for DDX41-related hematologic malignancy predisposition syndrome. Last evaluated: 2022-08-15. Review status: criteria provided, single submitter. Criteria: ACMG Guidelines, 2015. Collection method: clinical testing. Allele origin: unknown.

NM_016222.4(DDX41):c.13G>T (p.Glu5Ter)

Gene: DDX41 (DEAD-box helicase 41; minus strand). Cytogenetic location: 5q35.3.
Variant type: single nucleotide variant.
Coding change: c.13G>T on transcript NM_016222.4 (MANE Select); coding-DNA position 13, G replaced by T.
Protein change: p.Glu5Ter; replaces glutamic acid 5 with a stop codon.
Molecular consequence: nonsense. On other transcripts: 5 prime UTR variant (2).
Genome position (GRCh38, 1-based): chr5:177,516,933, C>A on the plus strand (G>T on the coding strand, the complement: DDX41 is on the minus strand). VCF-style: chr5-177516933-C-A. GRCh37 (hg19) VCF-style: chr5-176943934-C-A.
Other names: c.13G>T (NM_016222.2); c.-643G>T (NM_001321732.2); c.-435G>T (NM_001321830.2); short protein forms E5*.
Identifiers: ClinVar variation 2674798 (VCV002674798.2), dbSNP rs779029308, ClinGen allele CA362378182.